The following is an entry in ClinVar:

ClinVar aggregate classification (germline): Uncertain significance. Review status: criteria provided, multiple submitters, no conflicts (2 of 4 stars). 4 submissions from 4 submitters: Uncertain significance (3). 1 of the submissions does not count toward it. Last evaluated 2025-07-16.

Conditions:
Medulloblastoma (MDB). Also called: MEDULLOBLASTOMA PREDISPOSITION SYNDROME; Medulloblastoma, somatic. Identifiers: Orphanet 616, MedGen C0025149, MeSH D008527, MONDO:0007959, OMIM 155255, HP:0002885.
Familial dysautonomia. Also called: HSAN III; FD. Identifiers: Orphanet 1764, MedGen C0013364, MONDO:0009131, OMIM 223900. Disease mechanism: loss of function.

Allele frequency attached by ClinVar (database versions not stated): ExAC 0.00001; gnomAD 0.00001; gnomAD exomes 0.00001; TOPMed 0.00001; ESP Exome Variant Server 0.00008.
gnomAD v4.1: 21 of 1,611,372 alleles (0.0013%); highest among the groups gnomAD compares: Non-Finnish European, 0.0017%; no homozygotes.

Submissions (4):

Ambry Genetics
Classification: Uncertain significance. Last evaluated: 2025-07-16. Review status: criteria provided, single submitter. Criteria: Ambry Variant Classification Scheme 2023. Collection method: clinical testing. Allele origin: germline.

St. Jude Molecular Pathology, St. Jude Children's Research Hospital
Classification: Uncertain significance for Medulloblastoma. Last evaluated: 2023-08-17. Review status: criteria provided, single submitter. Criteria: St. Jude Assertion Criteria 2020. Collection method: clinical testing. Allele origin: germline.
Comment: The ELP1 c.2951A>G (p.Gln984Arg) missense change has a maximum subpopulation frequency of 0.0065% in gnomAD v2.1.1. The in silico tool REVEL predicts a benign effect on protein function, but to our knowledge this prediction has not been confirmed by functional studies. To our knowledge, this variant has not been reported in individuals with ELP1-associated disorders. In summary, the evidence currently available is insufficient to determine the clinical significance of this variant. It has therefore been classified as of uncertain significance.

Labcorp Genetics (formerly Invitae), Labcorp
Classification: Uncertain significance. Last evaluated: 2021-08-28. Review status: criteria provided, single submitter. Criteria: Invitae Variant Classification Sherloc (09022015). Collection method: clinical testing. Allele origin: germline.
Comment: This sequence change replaces glutamine with arginine at codon 984 of the ELP1 protein (p.Gln984Arg). The glutamine residue is weakly conserved and there is a small physicochemical difference between glutamine and arginine. This variant is present in population databases (rs371186754, ExAC 0.001%). This variant has not been reported in the literature in individuals affected with ELP1-related conditions. Algorithms developed to predict the effect of missense changes on protein structure and function (SIFT, PolyPhen-2, Align-GVGD) all suggest that this variant is likely to be tolerated. In summary, the available evidence is currently insufficient to determine the role of this variant in disease. Therefore, it has been classified as a Variant of Uncertain Significance.

Natera, Inc.
Classification: Uncertain significance for Familial dysautonomia. Last evaluated: 2020-08-05. Review status: no assertion criteria provided. Collection method: clinical testing. Allele origin: germline. Not counted in ClinVar's aggregate classification.

NM_003640.5(ELP1):c.2951A>G (p.Gln984Arg)

Gene: ELP1 (elongator acetyltransferase complex subunit 1; minus strand). Cytogenetic location: 9q31.3.
Variant type: single nucleotide variant.
Coding change: c.2951A>G on transcript NM_003640.5 (MANE Select); coding-DNA position 2951, A replaced by G.
Protein change: p.Gln984Arg; replaces glutamine 984 with arginine.
Molecular consequence: missense variant.
Genome position (GRCh38, 1-based): chr9:108,892,993, T>C on the plus strand (A>G on the coding strand, the complement: ELP1 is on the minus strand). VCF-style: chr9-108892993-T-C. GRCh37 (hg19) VCF-style: chr9-111655273-T-C.
Other names: c.2609A>G, p.Gln870Arg (NM_001318360.2); c.1904A>G, p.Gln635Arg (NM_001330749.2); short protein forms Q635R, Q870R, Q984R.
Identifiers: ClinVar variation 855340 (VCV000855340.6), dbSNP rs371186754, ClinGen allele CA5174491.
Genomic context (GRCh38, chr9:108,892,993, plus strand): 5'-CTACTAAAGCAAAAAGCAAAACCAGGAGAGCCTCATTTTCACATACCACATACCTGGTAC[T>C]GTTGTGAGCTTGGTGAATATAACTTCAGAGCTTCGTTATACAAGTTTTTATCTTTTATCA-3'
Protein context (NP_003631.2, residues 974-994): ALKLYSPSSQ[Gln984Arg]YQDISIAYGE